The following is an entry in ClinVar:

ClinVar aggregate classification (germline): Uncertain significance (1 of 4 stars; one submission).

Allele frequency attached by ClinVar (database versions not stated): gnomAD 0.00001; TOPMed 0.00001.
gnomAD v4.1: 1 of 1,614,044 alleles (0.000062%); highest among the groups gnomAD compares: African/African-American, 0.0013%; no homozygotes.

Submission:

Labcorp Genetics (formerly Invitae), Labcorp
Classification: Uncertain significance. Last evaluated: 2022-08-01. Review status: criteria provided, single submitter. Criteria: Invitae Variant Classification Sherloc (09022015). Collection method: clinical testing. Allele origin: germline.
Comment: In summary, the available evidence is currently insufficient to determine the role of this variant in disease. Therefore, it has been classified as a Variant of Uncertain Significance. Algorithms developed to predict the effect of missense changes on protein structure and function are either unavailable or do not agree on the potential impact of this missense change (SIFT: "Deleterious"; PolyPhen-2: "Benign"; Align-GVGD: "Class C65"). This variant has not been reported in the literature in individuals affected with NBAS-related conditions. This variant is not present in population databases (gnomAD no frequency). This sequence change replaces aspartic acid, which is acidic and polar, with valine, which is neutral and non-polar, at codon 1664 of the NBAS protein (p.Asp1664Val).

NM_015909.4(NBAS):c.4991A>T (p.Asp1664Val)

Gene: NBAS (NBAS subunit of NRZ tethering complex; minus strand). Cytogenetic location: 2p24.3.
Variant type: single nucleotide variant.
Coding change: c.4991A>T on transcript NM_015909.4 (MANE Select); coding-DNA position 4991, A replaced by T.
Protein change: p.Asp1664Val; replaces aspartic acid 1664 with valine.
Molecular consequence: missense variant. On other transcripts: non-coding transcript variant (1).
Genome position (GRCh38, 1-based): chr2:15,292,573, T>A on the plus strand (A>T on the coding strand, the complement: NBAS is on the minus strand). VCF-style: chr2-15292573-T-A. GRCh37 (hg19) VCF-style: chr2-15432697-T-A.
Other names: short protein forms D1664V.
Identifiers: ClinVar variation 1938098 (VCV001938098.4), dbSNP rs1670354404, ClinGen allele CA345888754.
Genomic context (GRCh38, chr2:15,292,573, plus strand): 5'-TATGAAACAAAGGGTATCACTTACTCTGCCAGACCAAGGATAGTTTCCCTTTTATACTGG[T>A]CATCTGCAGTAAACCGCTGCACGTCCACACCCTTCCGAAGGCCCTGAAGGATCTGCGCCT-3'
Protein context (NP_056993.2, residues 1654-1674): GVDVQRFTAD[Asp1664Val]QYKRETILGL